The following is an entry in ClinVar:

NM_001394311.1(SCMH1):c.1668A>G (p.Leu556=)

Genes: SCMH1 (Scm polycomb group protein homolog 1; minus strand), SLFNL1-AS1 (SLFNL1 antisense RNA 1; plus strand). Cytogenetic location: 1p34.2.
Variant type: single nucleotide variant.
Coding change: c.1668A>G on transcript NM_001394311.1 (MANE Select); coding-DNA position 1668, A replaced by G.
Protein change: p.Leu556=; no amino-acid change (leucine 556 retained).
Molecular consequence: synonymous variant. On other transcripts: non-coding transcript variant (1).
Genome position (GRCh38, 1-based): chr1:41,037,372, T>C on the plus strand (A>G on the coding strand, the complement: SCMH1 is on the minus strand). VCF-style: chr1-41037372-T-C. GRCh37 (hg19) VCF-style: chr1-41503044-T-C.
Other names: c.1638A>G, p.Leu546= (NM_001031694.3, NM_001394299.1, NM_001394300.1 and 5 more transcripts); c.1455A>G, p.Leu485= (NM_001172218.2, NM_001172220.2, NM_001172221.3 and 1 more transcripts); c.1668A>G, p.Leu556= (NM_001172219.2); c.1164A>G, p.Leu388= (NM_001172222.3); c.1365A>G, p.Leu455= (NM_001350667.2); c.1134A>G, p.Leu378= (NM_001350668.2, NM_001394309.1); c.1497A>G, p.Leu499= (NM_001394307.1, NM_012236.4); c.1308A>G, p.Leu436= (NM_001394308.1).
Identifiers: ClinVar variation 2638727 (VCV002638727.24), dbSNP rs148897535, ClinGen allele CA796208.

ClinVar aggregate classification (germline): Likely benign (1 of 4 stars; one submission).

Allele frequency attached by ClinVar (database versions not stated): ESP Exome Variant Server 0.00015; 1000 Genomes Project 30x 0.00016; 1000 Genomes Project 0.00020; gnomAD 0.00036; ExAC 0.00063.
gnomAD v4.1: 761 of 1,614,000 alleles (0.047%); highest among the groups gnomAD compares: Middle Eastern, 0.22%; 1 homozygote.

Submission:

CeGaT Center for Human Genetics Tuebingen
Classification: Likely benign. Last evaluated: 2022-10-01. Review status: criteria provided, single submitter. Criteria: CeGaT Center For Human Genetics Tuebingen Variant Classification Criteria Version 2. Collection method: clinical testing. Allele origin: germline. Affected: yes. Observed: 1 variant allele.
Comment: SCMH1: BP4, BP7